The following is an entry in ClinVar:

NM_020831.6(MRTFA):c.1042C>T (p.Gln348Ter)

Gene: MRTFA (myocardin related transcription factor A; minus strand). Cytogenetic location: 22q13.1.
Variant type: single nucleotide variant.
Coding change: c.1042C>T on transcript NM_020831.6 (MANE Select); coding-DNA position 1042, C replaced by T.
Protein change: p.Gln348Ter; replaces glutamine 348 with a stop codon.
Molecular consequence: nonsense.
Genome position (GRCh38, 1-based): chr22:40,420,986, G>A on the plus strand (C>T on the coding strand, the complement: MRTFA is on the minus strand). VCF-style: chr22-40420986-G-A. GRCh37 (hg19) VCF-style: chr22-40816990-G-A.
Other names: c.742C>T, p.Gln248Ter (NM_001282660.2); c.892C>T, p.Gln298Ter (NM_001282661.3); c.1042C>T, p.Gln348Ter (NM_001282662.3); c.847C>T, p.Gln283Ter (NM_001318139.2); short protein forms Q248*, Q283*, Q298*, Q348*.
Identifiers: ClinVar variation 1683126 (VCV001683126.1), dbSNP rs1383820556, ClinGen allele CA411664360.

ClinVar aggregate classification (germline): Uncertain significance (1 of 4 stars; one submission).

Submission:

Labcorp Genetics (formerly Invitae), Labcorp
Classification: Uncertain significance. Last evaluated: 2021-04-26. Review status: criteria provided, single submitter. Criteria: Invitae Variant Classification Sherloc (09022015). Collection method: clinical testing. Allele origin: germline.
Comment: This sequence change creates a premature translational stop signal (p.Gln248*) in the MKL1 gene. It is expected to result in an absent or disrupted protein product. However, the current clinical and genetic evidence is not sufficient to establish whether loss-of-function variants in MKL1 cause disease. This variant is not present in population databases (ExAC no frequency). This variant has not been reported in the literature in individuals with MKL1-related conditions. Algorithms developed to predict the effect of sequence changes on RNA splicing suggest that this variant may create or strengthen a splice site, but this prediction has not been confirmed by published transcriptional studies. In summary, the available evidence is currently insufficient to determine the role of this variant in disease. Therefore, it has been classified as a Variant of Uncertain Significance.